The following is an entry in ClinVar:

NM_014946.4(SPAST):c.1786G>A (p.Val596Ile)

Gene: SPAST (spastin; plus strand). Cytogenetic location: 2p22.3.
Variant type: single nucleotide variant.
Coding change: c.1786G>A on transcript NM_014946.4 (MANE Select); coding-DNA position 1786, G replaced by A.
Protein change: p.Val596Ile; replaces valine 596 with isoleucine.
Molecular consequence: missense variant. On other transcripts: 3 prime UTR variant (1).
Genome position (GRCh38, 1-based): chr2:32,154,431, G>A. VCF-style: chr2-32154431-G-A. GRCh37 (hg19) VCF-style: chr2-32379500-G-A.
Other names: c.1783G>A, p.Val595Ile (NM_001363823.2); c.1687G>A, p.Val563Ile (NM_001363875.2); c.*59G>A (NM_001377959.1); c.1690G>A, p.Val564Ile (NM_199436.2); short protein forms V563I, V564I, V595I, V596I.
Identifiers: ClinVar variation 3252286 (VCV003252286.2), dbSNP rs1412403865.

ClinVar aggregate classification (germline): Uncertain significance. Review status: criteria provided, multiple submitters, no conflicts (2 of 4 stars). 2 submissions from 2 submitters: Uncertain significance (2). Last evaluated 2025-02-05.

Conditions:
Inborn genetic diseases. Identifiers: MedGen C0950123, MeSH D030342.

Allele frequency attached by ClinVar (database versions not stated): TOPMed below 0.00001; gnomAD 0.00001; gnomAD exomes 0.00001.

Submissions (2):

Ambry Genetics
Classification: Uncertain significance for Inborn genetic diseases. Last evaluated: 2025-02-05. Review status: criteria provided, single submitter. Criteria: Ambry Variant Classification Scheme 2023. Collection method: clinical testing. Allele origin: germline.

GeneDx
Classification: Uncertain significance. Last evaluated: 2024-04-30. Review status: criteria provided, single submitter. Criteria: GeneDx Variant Classification Process June 2021. Collection method: clinical testing. Allele origin: germline. Affected: yes.
Comment: Not observed at significant frequency in large population cohorts (gnomAD); In silico analysis indicates that this missense variant does not alter protein structure/function; Has not been previously published as pathogenic or benign to our knowledge